The following is an entry in ClinVar:

NM_022482.5(GZF1):c.1370A>G (p.His457Arg)

Gene: GZF1 (GDNF inducible zinc finger protein 1; plus strand). Cytogenetic location: 20p11.21.
Variant type: single nucleotide variant.
Coding change: c.1370A>G on transcript NM_022482.5 (MANE Select); coding-DNA position 1370, A replaced by G.
Protein change: p.His457Arg; replaces histidine 457 with arginine.
Molecular consequence: missense variant.
Genome position (GRCh38, 1-based): chr20:23,367,008, A>G. VCF-style: chr20-23367008-A-G. GRCh37 (hg19) VCF-style: chr20-23347645-A-G.
Other names: c.1370A>G, p.His457Arg (NM_001317012.2, NM_001317019.1); c.1370A>G (NM_022482.4); short protein forms H457R.
Identifiers: ClinVar variation 1941683 (VCV001941683.5), dbSNP rs2514919821, ClinGen allele CA408411653.

ClinVar aggregate classification (germline): Uncertain significance (1 of 4 stars; one submission).

Conditions:
Larsen syndrome (LRS). Also called: Larsen syndrome (FLNB-LS); Bilateral dislocation of the knees, pes cavus, cylindrically shaped fingers and characteristic facies. Identifiers: Orphanet 503, MedGen C0175778, MONDO:0007875, OMIM 150250. Disease mechanism: loss of function.

Submission:

Labcorp Genetics (formerly Invitae), Labcorp
Classification: Uncertain significance. Last evaluated: 2025-10-01. Review status: criteria provided, single submitter. Criteria: Invitae Variant Classification Sherloc (09022015). Collection method: clinical testing. Allele origin: germline.
Comment: This sequence change replaces histidine, which is basic and polar, with arginine, which is basic and polar, at codon 457 of the GZF1 protein (p.His457Arg). This variant is not present in population databases (gnomAD no frequency). This variant has not been reported in the literature in individuals affected with GZF1-related conditions. ClinVar contains an entry for this variant (Variation ID: 1941683). An algorithm developed to predict the effect of missense changes on protein structure and function (PolyPhen-2) suggests that this variant is likely to be tolerated. In summary, the available evidence is currently insufficient to determine the role of this variant in disease. Therefore, it has been classified as a Variant of Uncertain Significance.